The following is an entry in ClinVar:

NM_015107.3(PHF8):c.1429G>A (p.Val477Met)

Gene: PHF8 (PHD finger protein 8; minus strand). Cytogenetic location: Xp11.22.
Variant type: single nucleotide variant.
Coding change: c.1429G>A on transcript NM_015107.3 (MANE Select); coding-DNA position 1429, G replaced by A.
Protein change: p.Val477Met; replaces valine 477 with methionine.
Molecular consequence: missense variant. On other transcripts: intron variant (1).
Genome position (GRCh38, 1-based): chrX:53,993,798, C>T on the plus strand (G>A on the coding strand, the complement: PHF8 is on the minus strand). VCF-style: chrX-53993798-C-T. GRCh37 (hg19) VCF-style: chrX-54020231-C-T.
Other names: c.1537G>A, p.Val513Met (NM_001184896.1); c.1429G>A, p.Val477Met (NM_001184898.2); c.1324-959G>A (NM_001184897.2); short protein forms V513M, V477M.
Identifiers: ClinVar variation 3572669 (VCV003572669.1).

ClinVar aggregate classification (germline): Uncertain significance (1 of 4 stars; one submission).

Submission:

GeneDx
Classification: Uncertain significance. Last evaluated: 2024-07-08. Review status: criteria provided, single submitter. Criteria: GeneDx Variant Classification Process June 2021. Collection method: clinical testing. Allele origin: germline. Affected: yes.
Comment: Not observed at significant frequency in large population cohorts (gnomAD); In silico analysis indicates that this missense variant does not alter protein structure/function; Has not been previously published as pathogenic or benign to our knowledge